The following is an entry in ClinVar:

ClinVar aggregate classification (germline): Uncertain significance (1 of 4 stars; one submission).

Conditions:
Joubert syndrome. Also called: CEREBELLOPARENCHYMAL DISORDER IV; JOUBERT-BOLTSHAUSER SYNDROME; Familial aplasia of the vermis. Identifiers: Orphanet 475, MedGen C5979921, MONDO:0018772.
Meckel-Gruber syndrome. Also called: DYSENCEPHALIA SPLANCHNOCYSTICA; GRUBER SYNDROME; Dysencephalia splachnocystica. Identifiers: Orphanet 564, MedGen C0265215, MONDO:0018921.

gnomAD v4.1: 20 of 1,605,862 alleles (0.0012%); highest among the groups gnomAD compares: Non-Finnish European, 0.0015%; no homozygotes.

Submission:

Labcorp Genetics (formerly Invitae), Labcorp
Classification: Uncertain significance for Joubert syndrome; Meckel-Gruber syndrome. Last evaluated: 2022-07-23. Review status: criteria provided, single submitter. Criteria: Invitae Variant Classification Sherloc (09022015). Collection method: clinical testing. Allele origin: germline.
Comment: In summary, the available evidence is currently insufficient to determine the role of this variant in disease. Therefore, it has been classified as a Variant of Uncertain Significance. This sequence change replaces proline, which is neutral and non-polar, with leucine, which is neutral and non-polar, at codon 49 of the TCTN1 protein (p.Pro49Leu). This variant is present in population databases (rs571241015, gnomAD 0.003%). This variant has not been reported in the literature in individuals affected with TCTN1-related conditions. Algorithms developed to predict the effect of missense changes on protein structure and function output the following: SIFT: "Tolerated"; PolyPhen-2: "Benign"; Align-GVGD: "Class C0". The leucine amino acid residue is found in multiple mammalian species, which suggests that this missense change does not adversely affect protein function.

NM_001082538.3(TCTN1):c.146C>T (p.Pro49Leu)

Gene: TCTN1 (tectonic family member 1; plus strand). Cytogenetic location: 12q24.11.
Variant type: single nucleotide variant.
Coding change: c.146C>T on transcript NM_001082538.3 (MANE Select); coding-DNA position 146, C replaced by T.
Protein change: p.Pro49Leu; replaces proline 49 with leucine.
Molecular consequence: missense variant. On other transcripts: 5 prime UTR variant (4), non-coding transcript variant (1).
Genome position (GRCh38, 1-based): chr12:110,614,328, C>T. VCF-style: chr12-110614328-C-T. GRCh37 (hg19) VCF-style: chr12-111052133-C-T.
Other names: c.146C>T, p.Pro49Leu (NM_001082537.3, NM_001319680.2, NM_024549.6); c.-84C>T (NM_001173975.3, NM_001319682.3); c.-111C>T (NM_001173976.2); c.-562C>T (NM_001319681.2); short protein forms P49L.
Identifiers: ClinVar variation 2155285 (VCV002155285.2), dbSNP rs571241015, ClinGen allele CA6786450.